The following is an entry in ClinVar:

NM_024675.4(PALB2):c.1685-19_1685-18insTCCGCCCACCTCGGCCTCCCAAAGTGCTGGGATTACAGGCGTGAGCCACCGCGCCCAGCC

Gene: PALB2 (partner and localizer of BRCA2; minus strand). Cytogenetic location: 16p12.2.
Variant type: Insertion.
Coding change: c.1685-19_1685-18insTCCGCCCACCTCGGCCTCCCAAAGTGCTGGGATTACAGGCGTGAGCCACCGCGCCCAGCC on transcript NM_024675.4 (MANE Select); 19 bases into the intron before coding-DNA position 1685 through 18 bases into the intron before coding-DNA position 1685, TCCGCCCACCTCGGCCTCCCAAAGTGCTGGGATTACAGGCGTGAGCCACCGCGCCCAGCC inserted.
Molecular consequence: intron variant.
Genome position: GRCh38: chr16:23,630,487-23,630,488. GRCh37 (hg19): chr16:23,641,808-23,641,809.
Identifiers: ClinVar variation 2104816 (VCV002104816.4), dbSNP rs2506440469, ClinGen allele CA2580091416.

ClinVar aggregate classification (germline): Uncertain significance (1 of 4 stars; one submission).

Conditions:
Familial cancer of breast. Also called: Hereditary breast cancer; hereditary breast carcinoma; BREAST CANCER, FAMILIAL. Identifiers: Orphanet 227535, MedGen C0346153, MONDO:0016419, OMIM 114480. Disease mechanism: loss of function.

Submission:

Labcorp Genetics (formerly Invitae), Labcorp
Classification: Uncertain significance for Familial cancer of breast. Last evaluated: 2022-02-28. Review status: criteria provided, single submitter. Criteria: Invitae Variant Classification Sherloc (09022015). Collection method: clinical testing. Allele origin: germline.
Comment: This sequence change falls in intron 4 of the PALB2 gene. It does not directly change the encoded amino acid sequence of the PALB2 protein. In summary, the available evidence is currently insufficient to determine the role of this variant in disease. Therefore, it has been classified as a Variant of Uncertain Significance. Algorithms developed to predict the effect of sequence changes on RNA splicing suggest that this variant may disrupt the consensus splice site. This variant has not been reported in the literature in individuals affected with PALB2-related conditions. This variant is not present in population databases (gnomAD no frequency).